The following is an entry in ClinVar:

NM_001367823.1(ARHGEF18):c.1673A>G (p.Asn558Ser)

Gene: ARHGEF18 (Rho/Rac guanine nucleotide exchange factor 18; plus strand). Cytogenetic location: 19p13.2.
Variant type: single nucleotide variant.
Coding change: c.1673A>G on transcript NM_001367823.1 (MANE Select); coding-DNA position 1673, A replaced by G.
Protein change: p.Asn558Ser; replaces asparagine 558 with serine.
Molecular consequence: missense variant.
Genome position (GRCh38, 1-based): chr19:7,447,104, A>G. VCF-style: chr19-7447104-A-G. GRCh37 (hg19) VCF-style: chr19-7511990-A-G.
Other names: c.947A>G, p.Asn316Ser (NM_001130955.2); c.635A>G, p.Asn212Ser (NM_001367824.1, NM_015318.4); c.1109A>G (NM_001130955.1); short protein forms N558S, N212S, N316S.
Identifiers: ClinVar variation 1898262 (VCV001898262.4), dbSNP rs747101090, ClinGen allele CA9136546.
Genomic context (GRCh38, chr19:7,447,104, plus strand): 5'-TTTCAGGTGAAAATGGGGAGAGAATGAAAGAAAAGTACGGTGTGTTTTGTAGTGGCCACA[A>G]TGAAGCTGTTAGTCATTACAAGTTGCTGCTTCAGCAAAACAAGAAATTTCAAAACTTGAT-3'
Protein context (NP_001354752.1, residues 548-568): EKYGVFCSGH[Asn558Ser]EAVSHYKLLL

ClinVar aggregate classification (germline): Uncertain significance. Review status: criteria provided, multiple submitters, no conflicts (2 of 4 stars). 3 submissions from 3 submitters: Uncertain significance (2). 1 of the submissions does not count toward it. Last evaluated 2024-12-07.

Conditions:
Retinal dystrophy. Also called: Inherited retinal dystrophy. Identifiers: Orphanet 71862, MedGen C0854723, MeSH D058499, MONDO:0019118, HP:0000556.
Inborn genetic diseases. Identifiers: MedGen C0950123, MeSH D030342.

Allele frequency attached by ClinVar (database versions not stated): ExAC 0.00001.
gnomAD v4.1: 23 of 1,613,842 alleles (0.0014%); highest among the groups gnomAD compares: African/African-American, 0.0093%; no homozygotes.

Submissions (3):

Ambry Genetics
Classification: Uncertain significance for Inborn genetic diseases. Last evaluated: 2024-12-07. Review status: criteria provided, single submitter. Criteria: Ambry Variant Classification Scheme 2023. Collection method: clinical testing. Allele origin: germline.

Labcorp Genetics (formerly Invitae), Labcorp
Classification: Uncertain significance. Last evaluated: 2022-05-24. Review status: criteria provided, single submitter. Criteria: Invitae Variant Classification Sherloc (09022015). Collection method: clinical testing. Allele origin: germline.
Comment: This sequence change replaces asparagine, which is neutral and polar, with serine, which is neutral and polar, at codon 370 of the ARHGEF18 protein (p.Asn370Ser). This variant is present in population databases (rs747101090, gnomAD 0.02%). This variant has not been reported in the literature in individuals affected with ARHGEF18-related conditions. Algorithms developed to predict the effect of missense changes on protein structure and function are either unavailable or do not agree on the potential impact of this missense change (SIFT: "Deleterious"; PolyPhen-2: "Possibly Damaging"; Align-GVGD: "Class C0"). In summary, the available evidence is currently insufficient to determine the role of this variant in disease. Therefore, it has been classified as a Variant of Uncertain Significance.

Institute of Human Genetics, Univ. Regensburg, Univ. Regensburg
Classification: Uncertain significance for Retinal dystrophy. Last evaluated: 2023-01-01. Review status: no assertion criteria provided. Criteria: ACMG Guidelines, 2015. Collection method: clinical testing. Allele origin: germline. Affected: yes. Not counted in ClinVar's aggregate classification.